The following is an entry in ClinVar:

NM_022835.3(PLEKHG2):c.3326C>T (p.Thr1109Ile)

Gene: PLEKHG2 (pleckstrin homology and RhoGEF domain containing G2; plus strand). Cytogenetic location: 19q13.2.
Variant type: single nucleotide variant.
Coding change: c.3326C>T on transcript NM_022835.3 (MANE Select); coding-DNA position 3326, C replaced by T.
Protein change: p.Thr1109Ile; replaces threonine 1109 with isoleucine.
Molecular consequence: missense variant. On other transcripts: intron variant (1).
Genome position (GRCh38, 1-based): chr19:39,424,459, C>T. VCF-style: chr19-39424459-C-T. GRCh37 (hg19) VCF-style: chr19-39915099-C-T.
Other names: c.3149C>T, p.Thr1050Ile (NM_001351693.2); c.1678-779C>T (NM_001351694.2); short protein forms T1050I, T1109I.
Identifiers: ClinVar variation 3063903 (VCV003063903.1), dbSNP rs2514461224, ClinGen allele CA405805249.
Genomic context (GRCh38, chr19:39,424,459, plus strand): 5'-GCCCAGGCGACACCCTACCACCCTTGCCATGTCACCTCCCAGACCTTCAGATTCCAGGTA[C>T]CTCACCTTTGCCTGCACATGGAAGCCACCTGGACCATCGGATCCCAGCCAACGCCCCACT-3'
Protein context (NP_073746.2, residues 1099-1119): CHLPDLQIPG[Thr1109Ile]SPLPAHGSHL

ClinVar aggregate classification (germline): Uncertain significance (1 of 4 stars; one submission).

Submission:

Women's Health and Genetics/Laboratory Corporation of America, LabCorp
Classification: Uncertain significance. Last evaluated: 2024-01-13. Review status: criteria provided, single submitter. Criteria: LabCorp Variant Classification Summary - May 2015. Collection method: clinical testing. Allele origin: germline.
Comment: Variant summary: PLEKHG2 c.3326C>T (p.Thr1109Ile) results in a non-conservative amino acid change in the encoded protein sequence. Four of five in-silico tools predict a benign effect of the variant on protein function. The variant was absent in 251444 control chromosomes. The available data on variant occurrences in the general population are insufficient to allow any conclusion about variant significance. To our knowledge, no occurrence of c.3326C>T in individuals affected with Leukodystrophy And Acquired Microcephaly With Or Without Dystonia and no experimental evidence demonstrating its impact on protein function have been reported. No submitters have cited clinical-significance assessments for this variant to ClinVar. Based on the evidence outlined above, the variant was classified as uncertain significance.